The following is an entry in ClinVar:

ClinVar aggregate classification (germline): Pathogenic (1 of 4 stars; one submission).

Conditions:
Arrhythmogenic right ventricular dysplasia 12. Also called: ARRHYTHMOGENIC RIGHT VENTRICULAR DYSPLASIA, FAMILIAL, 12. Identifiers: MedGen C1969081, MONDO:0012684, OMIM 611528.
Naxos disease (NXD). Also called: KERATOSIS PALMOPLANTARIS WITH ARRHYTHMOGENIC CARDIOMYOPATHY; MAL DE NAXOS; PALMOPLANTAR KERATODERMA WITH ARRHYTHMOGENIC RIGHT VENTRICULAR CARDIOMYOPATHY AND WOOLLY HAIR; WOOLLY HAIR, PALMOPLANTAR KERATODERMA, AND CARDIAC ABNORMALITIES; CARDIOMYOPATHY, ARRHYTHMOGENIC RIGHT VENTRICULAR, WITH SKIN, HAIR, AND NAIL ABNORMALITIES. Identifiers: Orphanet 34217, MedGen C1832600, MONDO:0011017, OMIM 601214.

Submission:

Labcorp Genetics (formerly Invitae), Labcorp
Classification: Pathogenic for Arrhythmogenic right ventricular cardiomyopathy, type 12; Naxos disease. Last evaluated: 2019-01-07. Review status: criteria provided, single submitter. Criteria: Invitae Variant Classification Sherloc (09022015). Collection method: clinical testing. Allele origin: germline.
Comment: This sequence change creates a premature translational stop signal (p.Val486Alafs*122) in the JUP gene. It is expected to result in an absent or disrupted protein product. This variant is not present in population databases (ExAC no frequency). This variant has not been reported in the literature in individuals with JUP-related conditions. Loss-of-function variants in JUP are known to be pathogenic (PMID: 10902626). For these reasons, this variant has been classified as Pathogenic.

NM_002230.4(JUP):c.1455_1462del (p.Val486fs)

Gene: JUP (junction plakoglobin; minus strand). Cytogenetic location: 17q21.2.
Variant type: Deletion.
Coding change: c.1455_1462del on transcript NM_002230.4 (MANE Select); coding-DNA positions 1455 to 1462, 8 bases deleted (CGTGAAGC; older notation c.1455_1462delCGTGAAGC).
Protein change: p.Val486fs; shifts the reading frame from valine 486.
Molecular consequence: frameshift variant.
Genome position (GRCh38, 1-based): chr17:41,763,018-41,763,025, GCTTCACG deleted on the plus strand (CGTGAAGC on the coding strand, the reverse complement: JUP is on the minus strand). VCF-style (leftmost placement, unchanged base first): chr17-41763017-AGCTTCACG-A. GRCh37 (hg19) VCF-style: chr17-39919269-AGCTTCACG-A.
Other names: c.1455_1462del, p.Val486fs (NM_001352773.2, NM_001352774.2, NM_001352775.2 and 3 more transcripts); short protein forms V486fs.
Identifiers: ClinVar variation 659497 (VCV000659497.1), dbSNP rs1597801392, ClinGen allele CA915950008.